The following is an entry in ClinVar:

NM_017882.3(CLN6):c.296A>G (p.Lys99Arg)

Gene: CLN6 (CLN6 transmembrane ER protein; minus strand). Cytogenetic location: 15q23.
Variant type: single nucleotide variant.
Coding change: c.296A>G on transcript NM_017882.3 (MANE Select); coding-DNA position 296, A replaced by G.
Protein change: p.Lys99Arg; replaces lysine 99 with arginine.
Molecular consequence: missense variant.
Genome position (GRCh38, 1-based): chr15:68,214,291, T>C on the plus strand (A>G on the coding strand, the complement: CLN6 is on the minus strand). VCF-style: chr15-68214291-T-C. GRCh37 (hg19) VCF-style: chr15-68506629-T-C.
Other names: K99R; c.296A>G (NM_017882.2).
Identifiers: ClinVar variation 1184730 (VCV001184730.10), dbSNP rs146782642, ClinGen allele CA272387628.

ClinVar aggregate classification (germline): Conflicting classifications of pathogenicity. Review status: criteria provided, conflicting classifications (1 of 4 stars). 5 submissions from 5 submitters: Likely pathogenic (1); Uncertain significance (3). 1 of the submissions does not count toward it. Last evaluated 2024-04-03.

Conditions:
Inborn genetic diseases. Identifiers: MedGen C0950123, MeSH D030342.
Neuronal ceroid lipofuscinosis. Also called: Neuronal Ceroid Lipofuscinoses. Identifiers: Orphanet 216, Orphanet 79263, MedGen C0027877, MONDO:0016295. Disease mechanism: loss of function.
Ceroid lipofuscinosis, neuronal, 6B (Kufs type). Also called: Neuronal ceroid lipofuscinosis 4A. Identifiers: Orphanet 700477, MedGen C5561927, MONDO:0008768, OMIM 204300.
Ceroid lipofuscinosis, neuronal, 6A. Also called: CLN6-Related Neuronal Ceroid-Lipofuscinosis; Neuronal ceroid lipofuscinosis, late infantile, variant; Neuronal ceroid lipofuscinosis, Gypsy/Indian early juvenile variant; Neuronal ceroid lipofuscinosis 6. Identifiers: Orphanet 168491, Orphanet 228363, MedGen C5551375, MONDO:0011144, OMIM 601780.

Allele frequency attached by ClinVar (database versions not stated): gnomAD exomes below 0.00001 and 0.00001; TOPMed below 0.00001; gnomAD 0.00001; ESP Exome Variant Server 0.00008.
gnomAD v4.1: 12 of 1,611,316 alleles (0.00074%); highest among the groups gnomAD compares: African/African-American, 0.0013%; no homozygotes.

Submissions (5):

Fulgent Genetics
Classification: Likely pathogenic for Ceroid lipofuscinosis, neuronal, 6B (Kufs type); Ceroid lipofuscinosis, neuronal, 6A. Last evaluated: 2024-04-03. Review status: criteria provided, single submitter. Criteria: ACMG Guidelines, 2015. Collection method: clinical testing. Allele origin: germline.

3billion
Classification: Uncertain significance for Ceroid lipofuscinosis, neuronal, 6B (Kufs type). Last evaluated: 2023-09-07. Review status: criteria provided, single submitter. Criteria: ACMG Guidelines, 2015. Collection method: clinical testing. Allele origin: germline. Affected: yes.
Comment: The variant is observed at an extremely low frequency in the gnomAD v2.1.1 dataset (total allele frequency: 0.001%). Predicted Consequence/Location: Protein truncation variants are a common disease-causing mechanism. In silico tool predictions suggest damaging effect of the variant on gene or gene product [REVEL: 0.82 (>=0.6, sensitivity 0.68 and specificity 0.92); 3Cnet: 0.69 (>=0.6, sensitivity 0.72 and precision 0.9)]. Same nucleotide change resulting in same amino acid change has been previously reported to be associated with CLN6 related disorder (ClinVar ID: VCV001184730 /PMID: 30528883).A different missense change at the same codon (p.Lys99Asn) has been reported to be associated with CLN6 related disorder (ClinVar ID: VCV001802206 /PMID: 26075876). However the evidence of pathogenicity is insufficient at this time. Therefore, this variant is classified as VUS according to the recommendation of ACMG/AMP guideline.

Labcorp Genetics (formerly Invitae), Labcorp
Classification: Uncertain significance for Neuronal ceroid lipofuscinosis. Last evaluated: 2021-10-14. Review status: criteria provided, single submitter. Criteria: Invitae Variant Classification Sherloc (09022015). Collection method: clinical testing. Allele origin: germline.

Ambry Genetics
Classification: Uncertain significance for Inborn genetic diseases. Last evaluated: 2021-08-13. Review status: criteria provided, single submitter. Criteria: Ambry Variant Classification Scheme 2023. Collection method: clinical testing. Allele origin: germline.
Comment: The c.296A>G (p.K99R) alteration is located in exon 3 (coding exon 3) of the CLN6 gene. This alteration results from a A to G substitution at nucleotide position 296, causing the lysine (K) at amino acid position 99 to be replaced by an arginine (R). Based on data from gnomAD, the G allele has an overall frequency of <0.01% (2/282848) total alleles studied. The highest observed frequency was <0.01% (1/24962) of African alleles. In silico splice site analysis predicts that this alteration will weaken the native splice donor site. Based on insufficient or conflicting evidence, the clinical significance of this alteration remains unclear.

OMIM
Classification: Pathogenic for CEROID LIPOFUSCINOSIS, NEURONAL, 6A. Last evaluated: 2021-12-01. Review status: no assertion criteria provided. Collection method: literature only. Allele origin: germline. Not counted in ClinVar's aggregate classification.

Literature cited by the submitters: PubMed 30528883 (cited by 3 submitters); PubMed 26075876 (cited by 3billion).